The following is an entry in ClinVar:

ClinVar aggregate classification (germline): Uncertain significance (1 of 4 stars; one submission).

Conditions:
Cornelia de Lange syndrome 1 (CDLS1). Also called: Brachmann de Lange syndrome; NIPBL-Related Cornelia de Lange Syndrome; TYPUS DEGENERATIVUS AMSTELODAMENSIS. Identifiers: Orphanet 199, MedGen C4551851, MONDO:0007387, OMIM 122470.

Allele frequency attached by ClinVar (database versions not stated): gnomAD 0.00001; gnomAD exomes 0.00001; TOPMed 0.00001.
gnomAD v4.1: 19 of 1,613,300 alleles (0.0012%); highest among the groups gnomAD compares: Non-Finnish European, 0.0016%; no homozygotes.

Submission:

Labcorp Genetics (formerly Invitae), Labcorp
Classification: Uncertain significance for Cornelia de Lange syndrome 1. Last evaluated: 2024-01-06. Review status: criteria provided, single submitter. Criteria: Invitae Variant Classification Sherloc (09022015). Collection method: clinical testing. Allele origin: germline.
Comment: This sequence change replaces valine, which is neutral and non-polar, with aspartic acid, which is acidic and polar, at codon 586 of the NIPBL protein (p.Val586Asp). This variant is present in population databases (no rsID available, gnomAD 0.0009%). This variant has not been reported in the literature in individuals affected with NIPBL-related conditions. ClinVar contains an entry for this variant (Variation ID: 2021036). Advanced modeling of protein sequence and biophysical properties (such as structural, functional, and spatial information, amino acid conservation, physicochemical variation, residue mobility, and thermodynamic stability) performed at Invitae indicates that this missense variant is not expected to disrupt NIPBL protein function with a negative predictive value of 95%. In summary, the available evidence is currently insufficient to determine the role of this variant in disease. Therefore, it has been classified as a Variant of Uncertain Significance.

NM_133433.4(NIPBL):c.1757T>A (p.Val586Asp)

Gene: NIPBL (NIPBL cohesin loading factor; plus strand). Cytogenetic location: 5p13.2.
Variant type: single nucleotide variant.
Coding change: c.1757T>A on transcript NM_133433.4 (MANE Select); coding-DNA position 1757, T replaced by A.
Protein change: p.Val586Asp; replaces valine 586 with aspartic acid.
Molecular consequence: missense variant.
Genome position (GRCh38, 1-based): chr5:36,984,937, T>A. VCF-style: chr5-36984937-T-A. GRCh37 (hg19) VCF-style: chr5-36985039-T-A.
Other names: c.1757T>A, p.Val586Asp (NM_015384.5); short protein forms V586D.
Identifiers: ClinVar variation 2021036 (VCV002021036.4), dbSNP rs1419019439, ClinGen allele CA359494538.